The following is an entry in ClinVar:

NM_000257.4(MYH7):c.4872G>A (p.Glu1624=)

Genes: MYH7 (myosin heavy chain 7; minus strand), MHRT (myosin heavy chain associated RNA transcript; plus strand), LOC126861897 (BRD4-independent group 4 enhancer GRCh37_chr14:23884455-23885654; plus strand). Cytogenetic location: 14q11.2.
Variant type: single nucleotide variant.
Coding change: c.4872G>A on transcript NM_000257.4 (MANE Select); coding-DNA position 4872, G replaced by A.
Protein change: p.Glu1624=; no amino-acid change (glutamic acid 1624 retained).
Molecular consequence: synonymous variant. On other transcripts: non-coding transcript variant (1).
Genome position (GRCh38, 1-based): chr14:23,416,085, C>T on the plus strand (G>A on the coding strand, the complement: MYH7 is on the minus strand). VCF-style: chr14-23416085-C-T. GRCh37 (hg19) VCF-style: chr14-23885294-C-T.
Identifiers: ClinVar variation 882333 (VCV000882333.16), dbSNP rs766561921, ClinGen allele CA044101.

ClinVar aggregate classification (germline): Conflicting classifications of pathogenicity. Review status: criteria provided, conflicting classifications (1 of 4 stars). 7 submissions from 5 submitters: Uncertain significance (2); Benign (1); Likely benign (4). Last evaluated 2025-11-25.

Conditions:
Myosin storage myopathy (CMYO7A). Also called: Scapuloperoneal myopathy, MYH7-related; MYOPATHY, HYALINE BODY, AUTOSOMAL DOMINANT; MYOPATHY WITH LYSIS OF TYPE I MYOFIBRILS; SCAPULOPERONEAL MUSCULAR DYSTROPHY; SCAPULOPERONEAL SYNDROME, MYOPATHIC TYPE; MYH7-related late-onset scapuloperoneal muscular dystrophy. Identifiers: Orphanet 437572, Orphanet 636965, MedGen C1842160, MONDO:0008409, OMIM 608358.
Cardiovascular phenotype. Identifiers: MedGen CN230736.
MYH7-related skeletal myopathy. Also called: Myopathy, distal, 1; MYOPATHY, DISTAL, EARLY-ONSET, AUTOSOMAL DOMINANT; MYOPATHY, LATE DISTAL HEREDITARY; Laing early-onset distal myopathy; Laing distal myopathy. Identifiers: Orphanet 59135, MedGen C4552004, MONDO:0008050, OMIM 160500.
Hypertrophic cardiomyopathy. Also called: HYPERTROPHIC MYOCARDIOPATHY. Identifiers: Orphanet 217569, MedGen C0007194, MeSH D002312, MONDO:0005045, HP:0001639.
Cardiomyopathy (CMYO). Also called: Cardiomyopathies. Identifiers: Orphanet 167848, MedGen C0878544, MONDO:0004994, HP:0001638. Inheritance: Various modes of inheritance.
Hypertrophic cardiomyopathy 1 (CMH1). Also called: MYH7-Related Familial Hypertrophic Cardiomyopathy; Familial hypertrophic cardiomyopathy 1. Identifiers: MedGen C3495498, MONDO:0008647, OMIM 192600.

Allele frequency attached by ClinVar (database versions not stated): ExAC 0.00002; gnomAD exomes 0.00003; TOPMed 0.00005.
gnomAD v4.1: 8 of 1,614,106 alleles (0.0005%); highest among the groups gnomAD compares: East Asian, 0.018%; no homozygotes.

Submissions (7):

Labcorp Genetics (formerly Invitae), Labcorp
Classification: Likely benign for Hypertrophic cardiomyopathy. Last evaluated: 2025-11-25. Review status: criteria provided, single submitter. Criteria: Invitae Variant Classification Sherloc (09022015). Collection method: clinical testing. Allele origin: germline.

All of Us Research Program, National Institutes of Health
Classification: Likely benign for Cardiomyopathy. Last evaluated: 2024-04-16. Review status: criteria provided, single submitter. Criteria: ACMG Guidelines, 2015. Collection method: clinical testing. Allele origin: germline. Inheritance: Autosomal dominant inheritance. Observed: 2 variant alleles, 2 heterozygotes.
Comment: This study involves interpretation of variants in research participants for the purpose of population health screening. Participant phenotype was not available at the time of variant classification. Additional details can be found in publication PMID: 35346344, PMCID: PMC8962531

Ambry Genetics
Classification: Likely benign for Cardiovascular phenotype. Last evaluated: 2019-10-15. Review status: criteria provided, single submitter. Criteria: Ambry Variant Classification Scheme 2023. Collection method: clinical testing. Allele origin: germline.

Color Diagnostics, LLC DBA Color Health
Classification: Likely benign for Cardiomyopathy. Last evaluated: 2019-05-28. Review status: criteria provided, single submitter. Criteria: ACMG Guidelines, 2015. Collection method: clinical testing. Allele origin: germline.

Illumina Laboratory Services, Illumina
Classification: Benign for MYH7-related skeletal myopathy. Last evaluated: 2018-01-13. Review status: criteria provided, single submitter. Criteria: ICSL Variant Classification Criteria 13 December 2019. Collection method: clinical testing. Allele origin: germline.
Comment: This variant was observed in the ICSL laboratory as part of a predisposition screen in an ostensibly healthy population. It had not been previously curated by ICSL or reported in the Human Gene Mutation Database (HGMD: prior to June 1st, 2018), and was therefore a candidate for classification through an automated scoring system. Utilizing variant allele frequency, disease prevalence and penetrance estimates, and inheritance mode, an automated score was calculated to assess if this variant is too frequent to cause the disease. Based on the score and internal cut-off values, a variant classified as benign is not then subjected to further curation. The score for this variant resulted in a classification of benign for this disease.

Illumina Laboratory Services, Illumina
Classification: Uncertain significance for Myosin storage myopathy. Last evaluated: 2018-01-13. Review status: criteria provided, single submitter. Criteria: ICSL Variant Classification Criteria 13 December 2019. Collection method: clinical testing. Allele origin: germline.

Illumina Laboratory Services, Illumina
Classification: Uncertain significance for Hypertrophic cardiomyopathy 1. Last evaluated: 2018-01-13. Review status: criteria provided, single submitter. Criteria: ICSL Variant Classification Criteria 13 December 2019. Collection method: clinical testing. Allele origin: germline.